The following is an entry in ClinVar:

NM_000059.4(BRCA2):c.215A>T (p.Asn72Ile)

Gene: BRCA2 (BRCA2 DNA repair associated; plus strand). Cytogenetic location: 13q13.1.
Variant type: single nucleotide variant.
Coding change: c.215A>T on transcript NM_000059.4 (MANE Select); coding-DNA position 215, A replaced by T.
Protein change: p.Asn72Ile; replaces asparagine 72 with isoleucine.
Molecular consequence: missense variant.
Genome position (GRCh38, 1-based): chr13:32,319,224, A>T. VCF-style: chr13-32319224-A-T. GRCh37 (hg19) VCF-style: chr13-32893361-A-T.
Other names: short protein forms N72I.
Identifiers: ClinVar variation 462259 (VCV000462259.13), dbSNP rs276174818, ClinGen allele CA247481208.

ClinVar aggregate classification (germline): Uncertain significance. Review status: criteria provided, multiple submitters, no conflicts (2 of 4 stars). 2 submissions from 2 submitters: Uncertain significance (2). Last evaluated 2024-04-29.

Conditions:
Hereditary breast ovarian cancer syndrome. Also called: Hereditary breast and ovarian cancer syndrome (HBOC); Hereditary breast and ovarian cancer syndrome; Breast and ovarian cancer; Hereditary breast and/or ovarian cancer syndrome; Hereditary breast and ovarian cancer; BRCA1- and BRCA2-Associated Hereditary Breast and Ovarian Cancer. Identifiers: Orphanet 145, MedGen C0677776, MeSH D061325, MONDO:0003582. Disease mechanism: loss of function.
Hereditary cancer-predisposing syndrome. Also called: Neoplastic Syndromes, Hereditary; Hereditary Cancer Syndrome; Hereditary neoplastic syndrome; Tumor predisposition. Identifiers: Orphanet 140162, MedGen C0027672, MeSH D009386, MONDO:0015356.

Submissions (2):

Labcorp Genetics (formerly Invitae), Labcorp
Classification: Uncertain significance for Hereditary breast ovarian cancer syndrome. Last evaluated: 2024-04-29. Review status: criteria provided, single submitter. Criteria: Invitae Variant Classification Sherloc (09022015). Collection method: clinical testing. Allele origin: germline.
Comment: This sequence change replaces asparagine, which is neutral and polar, with isoleucine, which is neutral and non-polar, at codon 72 of the BRCA2 protein (p.Asn72Ile). This variant is not present in population databases (gnomAD no frequency). This variant has not been reported in the literature in individuals affected with BRCA2-related conditions. ClinVar contains an entry for this variant (Variation ID: 462259). Advanced modeling of protein sequence and biophysical properties (such as structural, functional, and spatial information, amino acid conservation, physicochemical variation, residue mobility, and thermodynamic stability) performed at Invitae indicates that this missense variant is not expected to disrupt BRCA2 protein function with a negative predictive value of 95%. In summary, the available evidence is currently insufficient to determine the role of this variant in disease. Therefore, it has been classified as a Variant of Uncertain Significance.

Ambry Genetics
Classification: Uncertain significance for Hereditary cancer-predisposing syndrome. Last evaluated: 2022-06-08. Review status: criteria provided, single submitter. Criteria: Ambry Variant Classification Scheme 2023. Collection method: clinical testing. Allele origin: germline.
Comment: The p.N72I variant (also known as c.215A>T), located in coding exon 2 of the BRCA2 gene, results from an A to T substitution at nucleotide position 215. The asparagine at codon 72 is replaced by isoleucine, an amino acid with dissimilar properties. This amino acid position is not well conserved in available vertebrate species. In addition, this alteration is predicted to be tolerated by in silico analysis. Since supporting evidence is limited at this time, the clinical significance of this alteration remains unclear.